The following is an entry in ClinVar:

ClinVar aggregate classification (germline): Uncertain significance. Review status: criteria provided, multiple submitters, no conflicts (2 of 4 stars). 2 submissions from 2 submitters: Uncertain significance (2). Last evaluated 2025-01-14.

Conditions:
ATP8B1-related disorder. Also called: ATP8B1-related disorders; ATP8B1-related condition.
Inborn genetic diseases. Identifiers: MedGen C0950123, MeSH D030342.

Allele frequency attached by ClinVar (database versions not stated): gnomAD exomes below 0.00001.
gnomAD v4.1: 5 of 1,613,932 alleles (0.00031%); highest among the groups gnomAD compares: Non-Finnish European, 0.00042%; no homozygotes.

Submissions (2):

PreventionGenetics, part of Exact Sciences
Classification: Uncertain significance for ATP8B1-related condition. Last evaluated: 2025-01-14. Review status: criteria provided, single submitter. Criteria: ACMG Guidelines, 2015. Collection method: clinical testing. Allele origin: germline.
Comment: The ATP8B1 c.2627T>C variant is predicted to result in the amino acid substitution p.Val876Ala. To our knowledge, this variant has not been reported in the literature. This variant is reported in 0.00088% of alleles in individuals of European (Non-Finnish) descent in gnomAD. At this time, the clinical significance of this variant is uncertain due to the absence of conclusive functional and genetic evidence.

Ambry Genetics
Classification: Uncertain significance for Inborn genetic diseases. Last evaluated: 2023-12-21. Review status: criteria provided, single submitter. Criteria: Ambry Variant Classification Scheme 2023. Collection method: clinical testing. Allele origin: germline.

NM_001374385.1(ATP8B1):c.2627T>C (p.Val876Ala)

Genes: ATP8B1 (ATPase phospholipid transporting 8B1; minus strand), ATP8B1-AS1 (ATP8B1 antisense RNA 1; plus strand). Cytogenetic location: 18q21.31.
Variant type: single nucleotide variant.
Coding change: c.2627T>C on transcript NM_001374385.1 (MANE Select); coding-DNA position 2627, T replaced by C.
Protein change: p.Val876Ala; replaces valine 876 with alanine.
Molecular consequence: missense variant.
Genome position (GRCh38, 1-based): chr18:57,661,254, A>G on the plus strand (T>C on the coding strand, the complement: ATP8B1 is on the minus strand). VCF-style: chr18-57661254-A-G. GRCh37 (hg19) VCF-style: chr18-55328486-A-G.
Other names: c.2477T>C, p.Val826Ala (NM_001374386.1); c.2627T>C, p.Val876Ala (NM_005603.6); short protein forms V876A, V826A.
Identifiers: ClinVar variation 3131974 (VCV003131974.2), dbSNP rs1255717832, ClinGen allele CA402550707.